The following is an entry in ClinVar:

ClinVar aggregate classification (germline): Uncertain significance (1 of 4 stars; one submission).

Conditions:
Aortic valve disease 2 (AOVD2). Identifiers: MedGen C3542024, MONDO:0013902, OMIM 614823.

gnomAD v4.1: 5 of 1,292,830 alleles (0.00039%); highest among the groups gnomAD compares: Non-Finnish European, 0.00039%; no homozygotes.

Submission:

Labcorp Genetics (formerly Invitae), Labcorp
Classification: Uncertain significance for Aortic valve disease 2. Last evaluated: 2025-07-24. Review status: criteria provided, single submitter. Criteria: Invitae Variant Classification Sherloc (09022015). Collection method: clinical testing. Allele origin: germline.
Comment: This sequence change creates a premature translational stop signal (p.Glu59*) in the SMAD6 gene. It is expected to result in an absent or disrupted protein product. However, the current clinical and genetic evidence is not sufficient to establish whether loss-of-function variants in SMAD6 cause disease. This variant is not present in population databases (gnomAD no frequency). This variant has not been reported in the literature in individuals affected with SMAD6-related conditions. In summary, the available evidence is currently insufficient to determine the role of this variant in disease. Therefore, it has been classified as a Variant of Uncertain Significance.

NM_005585.5(SMAD6):c.175G>T (p.Glu59Ter)

Gene: SMAD6 (SMAD family member 6; plus strand). Cytogenetic location: 15q22.31.
Variant type: single nucleotide variant.
Coding change: c.175G>T on transcript NM_005585.5 (MANE Select); coding-DNA position 175, G replaced by T.
Protein change: p.Glu59Ter; replaces glutamic acid 59 with a stop codon.
Molecular consequence: nonsense. On other transcripts: non-coding transcript variant (1).
Genome position (GRCh38, 1-based): chr15:66,703,433, G>T. VCF-style: chr15-66703433-G-T. GRCh37 (hg19) VCF-style: chr15-66995771-G-T.
Other names: short protein forms E59*.
Identifiers: ClinVar variation 4714156 (VCV004714156.1).